The following is an entry in ClinVar:

NM_000275.3(OCA2):c.2032_2039delinsTAG (p.Glu678_Ala680delinsTer)

Gene: OCA2 (OCA2 melanosomal transmembrane protein; minus strand). Cytogenetic location: 15q13.1.
Variant type: Indel.
Coding change: c.2032_2039delinsTAG on transcript NM_000275.3 (MANE Select); coding-DNA positions 2032 to 2039, GAATGGGC replaced by TAG.
Protein change: p.Glu678_Ala680delinsTer.
Molecular consequence: nonsense.
Genome position (GRCh38, 1-based): chr15:27,926,167-27,926,174, GCCCATTC replaced by CTA on the plus strand (GAATGGGC replaced by TAG on the coding strand, the reverse complement: OCA2 is on the minus strand). VCF-style: chr15-27926167-GCCCATTC-CTA. GRCh37 (hg19) VCF-style: chr15-28171313-GCCCATTC-CTA.
Other names: c.1960_1967delinsTAG, p.Glu654_Ala656delinsTer (NM_001300984.2).
Identifiers: ClinVar variation 2633862 (VCV002633862.1), dbSNP rs2506064927, ClinGen allele CA2695197228.
Genomic context (GRCh38, chr15:27,926,167, plus strand): 5'-CAAAAGTTCTAAAATCTTACCTCCATCAGAACAAAGAGCGCTGCAAAAAACAGAAGGGTT[GCCCATTC>CTA]CACTCTGTGTAGAATTATCTCAAAATCATGAATATCAGCTAAAATTAGCAACCAGATGGC-3'

ClinVar aggregate classification (germline): Likely pathogenic (1 of 4 stars; one submission).

Conditions:
OCA2-related disorder. Also called: OCA2-related condition.

Submission:

PreventionGenetics, part of Exact Sciences
Classification: Likely pathogenic for OCA2-related condition. Last evaluated: 2023-03-15. Review status: criteria provided, single submitter. Criteria: ACMG Guidelines, 2015. Collection method: clinical testing. Allele origin: germline.
Comment: The OCA2 c.2032_2039delinsTAG variant is predicted to result in premature protein termination (p.Glu678*). To our knowledge, this variant has not been reported in the literature or in a large population database, indicating this variant is rare. Nonsense variants in OCA2 are expected to be pathogenic, and therefore we interpret this variant as likely pathogenic.